The following is an entry in ClinVar:

NM_001127178.3(PIGG):c.1207A>G (p.Asn403Asp)

Gene: PIGG (phosphatidylinositol glycan anchor biosynthesis class G (EMM blood group); plus strand). Cytogenetic location: 4p16.3.
Variant type: single nucleotide variant.
Coding change: c.1207A>G on transcript NM_001127178.3 (MANE Select); coding-DNA position 1207, A replaced by G.
Protein change: p.Asn403Asp; replaces asparagine 403 with aspartic acid.
Molecular consequence: missense variant. On other transcripts: 5 prime UTR variant (2), non-coding transcript variant (10), intron variant (1).
Genome position (GRCh38, 1-based): chr4:521,148, A>G. VCF-style: chr4-521148-A-G. GRCh37 (hg19) VCF-style: chr4-514937-A-G.
Other names: c.1207A>G (NM_001127178.1); c.940A>G, p.Asn314Asp (NM_001289051.2, NM_001289053.2, NM_001345986.2 and 1 more transcripts); c.808A>G, p.Asn270Asp (NM_001289052.2); c.841A>G, p.Asn281Asp (NM_001289055.2); c.178A>G, p.Asn60Asp (NM_001345988.2); c.1207A>G, p.Asn403Asp (NM_001345989.2, NM_017733.5); c.-281A>G (NM_001345990.2, NM_001345991.2); c.133A>G, p.Asn45Asp (NM_001345994.2); and 1 more; short protein forms N314D, N403D, N45D, N270D, N281D, N60D.
Identifiers: ClinVar variation 855118 (VCV000855118.11), dbSNP rs1233234368, ClinGen allele CA355903810.

ClinVar aggregate classification (germline): Uncertain significance. Review status: criteria provided, multiple submitters, no conflicts (2 of 4 stars). 3 submissions from 3 submitters: Uncertain significance (3). Last evaluated 2024-01-15.

Conditions:
Intellectual disability, autosomal recessive 53 (NEDHSCA). Also called: NEURODEVELOPMENTAL DISORDER WITH OR WITHOUT HYPOTONIA, SEIZURES, AND CEREBELLAR ATROPHY; GLYCOSYLPHOSPHATIDYLINOSITOL BIOSYNTHESIS DEFECT 13; Mental retardation, autosomal recessive 53. Identifiers: Orphanet 488635, MedGen C4310794, MONDO:0014832, OMIM 616917.

Allele frequency attached by ClinVar (database versions not stated): gnomAD exomes below 0.00001 and 0.00001; gnomAD 0.00001; TOPMed 0.00001.
gnomAD v4.1: 3 of 1,614,006 alleles (0.00019%); highest among the groups gnomAD compares: African/African-American, 0.0027%; no homozygotes.

Submissions (3):

Labcorp Genetics (formerly Invitae), Labcorp
Classification: Uncertain significance for Intellectual disability, autosomal recessive 53. Last evaluated: 2024-01-15. Review status: criteria provided, single submitter. Criteria: Invitae Variant Classification Sherloc (09022015). Collection method: clinical testing. Allele origin: germline.
Comment: This sequence change replaces asparagine, which is neutral and polar, with aspartic acid, which is acidic and polar, at codon 403 of the PIGG protein (p.Asn403Asp). This variant is present in population databases (no rsID available, gnomAD 0.007%). This variant has not been reported in the literature in individuals affected with PIGG-related conditions. ClinVar contains an entry for this variant (Variation ID: 855118). Advanced modeling of protein sequence and biophysical properties (such as structural, functional, and spatial information, amino acid conservation, physicochemical variation, residue mobility, and thermodynamic stability) performed at Invitae indicates that this missense variant is not expected to disrupt PIGG protein function with a negative predictive value of 80%. In summary, the available evidence is currently insufficient to determine the role of this variant in disease. Therefore, it has been classified as a Variant of Uncertain Significance.

GeneDx
Classification: Uncertain significance. Last evaluated: 2023-07-18. Review status: criteria provided, single submitter. Criteria: GeneDx Variant Classification Process June 2021. Collection method: clinical testing. Allele origin: germline. Affected: yes.
Comment: Not observed at significant frequency in large population cohorts (gnomAD); In silico analysis supports that this missense variant has a deleterious effect on protein structure/function; Has not been previously published as pathogenic or benign to our knowledge; This variant is associated with the following publications: (PMID: 31894249)

Revvity Omics, Revvity
Classification: Uncertain significance. Last evaluated: 2019-07-01. Review status: criteria provided, single submitter. Criteria: ACMG Guidelines, 2015. Collection method: clinical testing. Allele origin: germline.